The following is an entry in ClinVar:

NM_014714.4(IFT140):c.2577+4A>T

Gene: IFT140 (intraflagellar transport 140; minus strand). Cytogenetic location: 16p13.3.
Variant type: single nucleotide variant.
Coding change: c.2577+4A>T on transcript NM_014714.4 (MANE Select); 4 bases into the intron after coding-DNA position 2577, A replaced by T.
Molecular consequence: intron variant.
Genome position (GRCh38, 1-based): chr16:1,526,615, T>A on the plus strand (A>T on the coding strand, the complement: IFT140 is on the minus strand). VCF-style: chr16-1526615-T-A. GRCh37 (hg19) VCF-style: chr16-1576616-T-A.
Identifiers: ClinVar variation 1439876 (VCV001439876.6), dbSNP rs2141184162, ClinGen allele CA2573151761.

ClinVar aggregate classification (germline): Uncertain significance (1 of 4 stars; one submission).

Conditions:
Saldino-Mainzer syndrome (SRTD9). Also called: Renal dysplasia, retinal pigmentary dystrophy, cerebellar ataxia and skeletal dysplasia; CONORENAL SYNDROME; SHORT-RIB THORACIC DYSPLASIA 9 WITHOUT POLYDACTYLY; short-rib thoracic dysplasia 9 with or without polydactyly. Identifiers: Orphanet 140969, MedGen C1849437, MONDO:0009964, OMIM 266920.

Allele frequency attached by ClinVar (database versions not stated): gnomAD exomes below 0.00001.
gnomAD v4.1: 2 of 1,473,484 alleles (0.00014%); highest among the groups gnomAD compares: East Asian, 0.0027%; no homozygotes.

Submission:

Labcorp Genetics (formerly Invitae), Labcorp
Classification: Uncertain significance for Saldino-Mainzer syndrome. Last evaluated: 2022-06-20. Review status: criteria provided, single submitter. Criteria: Invitae Variant Classification Sherloc (09022015). Collection method: clinical testing. Allele origin: germline.
Comment: This sequence change falls in intron 20 of the IFT140 gene. It does not directly change the encoded amino acid sequence of the IFT140 protein. It affects a nucleotide within the consensus splice site. This variant is not present in population databases (gnomAD no frequency). This variant has been observed in individual(s) with clinical features of retinitis pigmentosa (Invitae). It has also been observed to segregate with disease in related individuals. Variants that disrupt the consensus splice site are a relatively common cause of aberrant splicing (PMID: 17576681, 9536098). Algorithms developed to predict the effect of sequence changes on RNA splicing suggest that this variant may disrupt the consensus splice site. In summary, the available evidence is currently insufficient to determine the role of this variant in disease. Therefore, it has been classified as a Variant of Uncertain Significance.

Literature cited by the submitters: PubMed 17576681; PubMed 9536098.